The following is an entry in ClinVar:

ClinVar aggregate classification (germline): Uncertain significance (1 of 4 stars; one submission).

Submission:

GeneDx
Classification: Uncertain significance. Last evaluated: 2022-09-07. Review status: criteria provided, single submitter. Criteria: GeneDx Variant Classification Process June 2021. Collection method: clinical testing. Allele origin: germline. Affected: yes.
Comment: Not observed at significant frequency in large population cohorts (gnomAD); In silico analysis supports that this missense variant has a deleterious effect on protein structure/function; Has not been previously published as pathogenic or benign to our knowledge

NM_015267.4(CUX2):c.2774G>T (p.Gly925Val)

Gene: CUX2 (cut like homeobox 2; plus strand). Cytogenetic location: 12q24.12.
Variant type: single nucleotide variant.
Coding change: c.2774G>T on transcript NM_015267.4 (MANE Select); coding-DNA position 2774, G replaced by T.
Protein change: p.Gly925Val; replaces glycine 925 with valine.
Molecular consequence: missense variant.
Genome position (GRCh38, 1-based): chr12:111,322,428, G>T. VCF-style: chr12-111322428-G-T. GRCh37 (hg19) VCF-style: chr12-111760232-G-T.
Other names: c.2588G>T, p.Gly863Val (NM_001370598.1); short protein forms G863V, G925V.
Identifiers: ClinVar variation 2443634 (VCV002443634.1), dbSNP rs2499875866, ClinGen allele CA386714325.